The following is an entry in ClinVar:

NM_006280.3(SSR4):c.98del (p.Pro33fs)

Gene: SSR4 (signal sequence receptor subunit 4; plus strand). Cytogenetic location: Xq28.
Variant type: Deletion.
Coding change: c.98del on transcript NM_006280.3 (MANE Select); coding-DNA position 98, one base deleted (C; older notation c.98delC).
Protein change: p.Pro33fs; shifts the reading frame from proline 33.
Molecular consequence: frameshift variant. On other transcripts: non-coding transcript variant (1).
Genome position (GRCh38, 1-based): chrX:153,796,464, C deleted; the last of 4 consecutive C bases (chrX:153,796,461-153,796,464); deleting any one gives the same sequence. VCF-style (leftmost placement, unchanged base first): chrX-153796460-AC-A. GRCh37 (hg19) VCF-style: chrX-153061915-AC-A.
Other names: c.131del, p.Pro44fs (NM_001204526.2); c.122del, p.Pro41fs (NM_001204527.2); c.179del, p.Pro60fs (NM_001440795.1); c.98del, p.Pro33fs (NM_001440796.1); short protein forms P33fs, P41fs, P44fs, P60fs.
Identifiers: ClinVar variation 4292876 (VCV004292876.1).

ClinVar aggregate classification (germline): Likely pathogenic (1 of 4 stars; one submission).

Conditions:
SSR4-congenital disorder of glycosylation. Also called: CDG IY; SSR4-CDG; Congenital disorder of glycosylation type 1y. Identifiers: Orphanet 370927, MedGen C4012395, MONDO:0010490, OMIM 300934.

Submission:

3billion
Classification: Likely pathogenic for SSR4-congenital disorder of glycosylation. Last evaluated: 2025-03-05. Review status: criteria provided, single submitter. Criteria: ACMG Guidelines, 2015. Collection method: clinical testing. Allele origin: germline. Affected: yes.
Comment: The variant is not observed in the gnomAD v4.1.0 dataset. Predicted Consequence/Location: Frameshift: predicted to result in a loss or disruption of normal protein function through nonsense-mediated decay (NMD) or protein truncation. Multiple pathogenic variants are reported downstream of the variant. Therefore, this variant is classified as Likely pathogenic according to the recommendation of ACMG/AMP guideline.